The following is an entry in ClinVar:

ClinVar aggregate classification (germline): Uncertain significance (1 of 4 stars; one submission).

Conditions:
MHC class I deficiency. Identifiers: Orphanet 34592, MedGen C6024714, MONDO:0011476.

Submission:

Labcorp Genetics (formerly Invitae), Labcorp
Classification: Uncertain significance for MHC class I deficiency 1. Last evaluated: 2023-06-02. Review status: criteria provided, single submitter. Criteria: Invitae Variant Classification Sherloc (09022015). Collection method: clinical testing. Allele origin: germline.
Comment: In summary, the available evidence is currently insufficient to determine the role of this variant in disease. Therefore, it has been classified as a Variant of Uncertain Significance. An algorithm developed to predict the effect of missense changes on protein structure and function (PolyPhen-2) suggests that this variant is likely to be disruptive. This variant has not been reported in the literature in individuals affected with TAPBP-related conditions. This variant is not present in population databases (gnomAD no frequency). This sequence change replaces phenylalanine, which is neutral and non-polar, with serine, which is neutral and polar, at codon 96 of the TAPBP protein (p.Phe96Ser).

NM_003190.5(TAPBP):c.287T>C (p.Phe96Ser)

Gene: TAPBP (TAP binding protein; minus strand). Cytogenetic location: 6p21.32.
Variant type: single nucleotide variant.
Coding change: c.287T>C on transcript NM_003190.5 (MANE Select); coding-DNA position 287, T replaced by C.
Protein change: p.Phe96Ser; replaces phenylalanine 96 with serine.
Molecular consequence: missense variant. On other transcripts: intron variant (1).
Genome position (GRCh38, 1-based): chr6:33,313,399, A>G on the plus strand (T>C on the coding strand, the complement: TAPBP is on the minus strand). VCF-style: chr6-33313399-A-G. GRCh37 (hg19) VCF-style: chr6-33281176-A-G.
Other names: c.287T>C, p.Phe96Ser (NM_001410875.1, NM_172208.3); c.208+295T>C (NM_172209.3); short protein forms F96S.
Identifiers: ClinVar variation 2758709 (VCV002758709.3), dbSNP rs2536777201, ClinGen allele CA363621197.